The following is an entry in ClinVar:

NM_006904.7(PRKDC):c.2638A>G (p.Met880Val)

Gene: PRKDC (protein kinase, DNA-activated, catalytic subunit; minus strand). Cytogenetic location: 8q11.21.
Variant type: single nucleotide variant.
Coding change: c.2638A>G on transcript NM_006904.7 (MANE Select); coding-DNA position 2638, A replaced by G.
Protein change: p.Met880Val; replaces methionine 880 with valine.
Molecular consequence: missense variant.
Genome position (GRCh38, 1-based): chr8:47,914,044, T>C on the plus strand (A>G on the coding strand, the complement: PRKDC is on the minus strand). VCF-style: chr8-47914044-T-C. GRCh37 (hg19) VCF-style: chr8-48826604-T-C.
Other names: c.2638A>G, p.Met880Val (NM_001081640.2); short protein forms M880V.
Identifiers: ClinVar variation 1041242 (VCV001041242.8), dbSNP rs778352505, ClinGen allele CA176160242.

ClinVar aggregate classification (germline): Uncertain significance. Review status: criteria provided, multiple submitters, no conflicts (2 of 4 stars). 2 submissions from 2 submitters: Uncertain significance (2). Last evaluated 2023-11-13.

Conditions:
Severe combined immunodeficiency due to DNA-PKcs deficiency. Also called: IMMUNODEFICIENCY 26 WITH NEUROLOGIC ABNORMALITIES; Immunodeficiency 26 with or without neurologic abnormalities. Identifiers: Orphanet 317425, MedGen C4014833, MONDO:0014423, OMIM 615966.

Allele frequency attached by ClinVar (database versions not stated): gnomAD 0.00002.
gnomAD v4.1: 4 of 1,554,240 alleles (0.00026%); highest among the groups gnomAD compares: African/African-American, 0.0041%; no homozygotes.

Submissions (2):

Ambry Genetics
Classification: Uncertain significance. Last evaluated: 2023-11-13. Review status: criteria provided, single submitter. Criteria: Ambry Variant Classification Scheme 2023. Collection method: clinical testing. Allele origin: germline.

Labcorp Genetics (formerly Invitae), Labcorp
Classification: Uncertain significance for Severe combined immunodeficiency due to DNA-PKcs deficiency. Last evaluated: 2020-02-05. Review status: criteria provided, single submitter. Criteria: Invitae Variant Classification Sherloc (09022015). Collection method: clinical testing. Allele origin: germline.
Comment: In summary, the available evidence is currently insufficient to determine the role of this variant in disease. Therefore, it has been classified as a Variant of Uncertain Significance. Experimental studies and prediction algorithms are not available or were not evaluated, and the functional significance of this variant is currently unknown. This variant has not been reported in the literature in individuals with PRKDC-related conditions. This variant is not present in population databases (ExAC no frequency). This sequence change replaces methionine with valine at codon 880 of the PRKDC protein (p.Met880Val). The methionine residue is moderately conserved and there is a small physicochemical difference between methionine and valine.